The following is an entry in ClinVar:

ClinVar aggregate classification (germline): Uncertain significance (1 of 4 stars; one submission).

Conditions:
Hereditary cancer-predisposing syndrome. Also called: Neoplastic Syndromes, Hereditary; Hereditary Cancer Syndrome; Tumor predisposition; Hereditary neoplastic syndrome. Identifiers: Orphanet 140162, MedGen C0027672, MeSH D009386, MONDO:0015356.

Submission:

Ambry Genetics
Classification: Uncertain significance for Hereditary cancer-predisposing syndrome. Last evaluated: 2024-12-20. Review status: criteria provided, single submitter. Criteria: Ambry Variant Classification Scheme 2023. Collection method: clinical testing. Allele origin: germline.
Comment: The p.L91Q variant (also known as c.272T>A), located in coding exon 5 of the SMARCE1 gene, results from a T to A substitution at nucleotide position 272. The leucine at codon 91 is replaced by glutamine, an amino acid with dissimilar properties. This amino acid position is conserved. In addition, this alteration is predicted to be deleterious by in silico analysis. Based on the available evidence, the clinical significance of this variant remains unclear.

NM_003079.5(SMARCE1):c.272T>A (p.Leu91Gln)

Gene: SMARCE1 (SWI/SNF related BAF chromatin remodeling complex subunit E1; minus strand). Cytogenetic location: 17q21.2.
Variant type: single nucleotide variant.
Coding change: c.272T>A on transcript NM_003079.5 (MANE Select); coding-DNA position 272, T replaced by A.
Protein change: p.Leu91Gln; replaces leucine 91 with glutamine.
Molecular consequence: missense variant.
Genome position (GRCh38, 1-based): chr17:40,636,492, A>T on the plus strand (T>A on the coding strand, the complement: SMARCE1 is on the minus strand). VCF-style: chr17-40636492-A-T. GRCh37 (hg19) VCF-style: chr17-38792744-A-T.
Other names: short protein forms L91Q.
Identifiers: ClinVar variation 3799009 (VCV003799009.1).
Genomic context (GRCh38, chr17:40,636,492, plus strand): 5'-TCTTCATCAGTGAGATCTCGCCACATGCCACCAATAATCTTGCCAATCTCCCACAACTTT[A>T]GGTCAGGGTTGGAAGCCTTTACTTGGTCCCAGACCTTAAAAAGAAAACAGATGAAATGTT-3'
Protein context (NP_003070.3, residues 81-101): WDQVKASNPD[Leu91Gln]KLWEIGKIIG